The following is an entry in ClinVar:

NM_024306.5(FA2H):c.662T>G (p.Leu221Arg)

Gene: FA2H (fatty acid 2-hydroxylase; minus strand). Cytogenetic location: 16q23.1.
Variant type: single nucleotide variant.
Coding change: c.662T>G on transcript NM_024306.5 (MANE Select); coding-DNA position 662, T replaced by G.
Protein change: p.Leu221Arg; replaces leucine 221 with arginine.
Molecular consequence: missense variant.
Genome position (GRCh38, 1-based): chr16:74,719,112, A>C on the plus strand (T>G on the coding strand, the complement: FA2H is on the minus strand). VCF-style: chr16-74719112-A-C. GRCh37 (hg19) VCF-style: chr16-74753010-A-C.
Other names: short protein forms L221R.
Identifiers: ClinVar variation 1717241 (VCV001717241.5), dbSNP rs2544316739, ClinGen allele CA396769624.

ClinVar aggregate classification (germline): Uncertain significance (1 of 4 stars; one submission).

Conditions:
Spastic paraplegia. Identifiers: MedGen C0037772, HP:0001258.

Submission:

Labcorp Genetics (formerly Invitae), Labcorp
Classification: Uncertain significance for Spastic paraplegia. Last evaluated: 2022-08-21. Review status: criteria provided, single submitter. Criteria: Invitae Variant Classification Sherloc (09022015). Collection method: clinical testing. Allele origin: germline.
Comment: In summary, the available evidence is currently insufficient to determine the role of this variant in disease. Therefore, it has been classified as a Variant of Uncertain Significance. Advanced modeling of protein sequence and biophysical properties (such as structural, functional, and spatial information, amino acid conservation, physicochemical variation, residue mobility, and thermodynamic stability) performed at Invitae indicates that this missense variant is expected to disrupt FA2H protein function. This variant has not been reported in the literature in individuals affected with FA2H-related conditions. This variant is not present in population databases (gnomAD no frequency). This sequence change replaces leucine, which is neutral and non-polar, with arginine, which is basic and polar, at codon 221 of the FA2H protein (p.Leu221Arg).